The following is an entry in ClinVar:

NM_000179.3(MSH6):c.6G>C (p.Ser2=)

Gene: MSH6 (mutS homolog 6; plus strand). Cytogenetic location: 2p16.3.
Variant type: single nucleotide variant.
Coding change: c.6G>C on transcript NM_000179.3 (MANE Select); coding-DNA position 6, G replaced by C.
Protein change: p.Ser2=; no amino-acid change (serine 2 retained).
Molecular consequence: synonymous variant. On other transcripts: 5 prime UTR variant (8), non-coding transcript variant (5), intron variant (5).
Genome position (GRCh38, 1-based): chr2:47,783,239, G>C. VCF-style: chr2-47783239-G-C. GRCh37 (hg19) VCF-style: chr2-48010378-G-C.
Other names: c.6G>C, p.Ser2= (NM_001281492.2, NM_001406795.1, NM_001406796.1 and 9 more transcripts); c.-731G>C (NM_001281493.2, NM_001406811.1); c.-323G>C (NM_001406799.1); c.-50G>C (NM_001406804.1); c.-923G>C (NM_001406807.1); c.-578G>C (NM_001406812.1); c.-989G>C (NM_001406814.1); c.-534G>C (NM_001406816.1); and 3 more.
Identifiers: ClinVar variation 1981506 (VCV001981506.6), dbSNP rs1437951642, ClinGen allele CA425986764.

ClinVar aggregate classification (germline): Benign/Likely benign. Review status: criteria provided, multiple submitters, no conflicts (2 of 4 stars). 3 submissions from 3 submitters: Benign (1); Likely benign (2). Last evaluated 2025-09-17.

Conditions:
Hereditary cancer-predisposing syndrome. Also called: Tumor predisposition; Hereditary neoplastic syndrome; Neoplastic Syndromes, Hereditary; Hereditary Cancer Syndrome. Identifiers: Orphanet 140162, MedGen C0027672, MeSH D009386, MONDO:0015356.
Hereditary nonpolyposis colorectal neoplasms. Identifiers: MedGen C0009405, MeSH D003123.
Lynch syndrome 5 (LYNCH5). Also called: Hereditary non-polyposis colorectal cancer, type 5; Colorectal cancer, hereditary nonpolyposis, type 5. Identifiers: Orphanet 144, MedGen C1833477, MONDO:0013710, OMIM 614350. Disease mechanism: loss of function.

Allele frequency attached by ClinVar (database versions not stated): gnomAD exomes below 0.00001.
gnomAD v4.1: 2 of 1,611,476 alleles (0.00012%); highest among the groups gnomAD compares: Non-Finnish European, 0.00017%; no homozygotes.

Submissions (3):

Ambry Genetics
Classification: Likely benign for Hereditary cancer-predisposing syndrome. Last evaluated: 2025-09-17. Review status: criteria provided, single submitter. Criteria: Ambry Variant Classification Scheme 2023. Collection method: clinical testing. Allele origin: germline.

Myriad Genetics, Inc.
Classification: Benign for Lynch syndrome 5. Last evaluated: 2024-12-16. Review status: criteria provided, single submitter. Criteria: Myriad Autosomal Dominant, Autosomal Recessive and X-Linked Classification Criteria (2023). Collection method: clinical testing. Allele origin: unknown.
Comment: This variant is considered benign. This variant is a silent/synonymous amino acid change and it is not expected to impact splicing.

Labcorp Genetics (formerly Invitae), Labcorp
Classification: Likely benign for Hereditary nonpolyposis colorectal neoplasms. Last evaluated: 2022-01-10. Review status: criteria provided, single submitter. Criteria: Invitae Variant Classification Sherloc (09022015). Collection method: clinical testing. Allele origin: germline.